The following is an entry in ClinVar:

NM_001163435.3(TBCK):c.1640G>A (p.Gly547Asp)

Gene: TBCK (TBC1 domain containing kinase; minus strand). Cytogenetic location: 4q24.
Variant type: single nucleotide variant.
Coding change: c.1640G>A on transcript NM_001163435.3 (MANE Select); coding-DNA position 1640, G replaced by A.
Protein change: p.Gly547Asp; replaces glycine 547 with aspartic acid.
Molecular consequence: missense variant.
Genome position (GRCh38, 1-based): chr4:106,231,779, C>T on the plus strand (G>A on the coding strand, the complement: TBCK is on the minus strand). VCF-style: chr4-106231779-C-T. GRCh37 (hg19) VCF-style: chr4-107152936-C-T.
Other names: c.1640G>A, p.Gly547Asp (NM_001163436.4); c.1523G>A, p.Gly508Asp (NM_001163437.3); c.1124G>A, p.Gly375Asp (NM_001290768.2); c.1451G>A, p.Gly484Asp (NM_033115.5); short protein forms G375D, G484D, G508D, G547D.
Identifiers: ClinVar variation 3356108 (VCV003356108.1).

ClinVar aggregate classification (germline): Uncertain significance (0 of 4 stars; one submission).

Conditions:
TBCK-related disorder. Also called: TBCK-related condition; TBCK-related disorders.

gnomAD v4.1: 2 of 1,609,302 alleles (0.00012%); highest among the groups gnomAD compares: Non-Finnish European, 0.00017%; no homozygotes.

Submission:

PreventionGenetics, part of Exact Sciences
Classification: Uncertain significance for TBCK-related condition. Last evaluated: 2024-05-28. Review status: no assertion criteria provided. Collection method: clinical testing. Allele origin: germline.
Comment: The TBCK c.1640G>A variant is predicted to result in the amino acid substitution p.Gly547Asp. To our knowledge, this variant has not been reported in the literature or in a large population database, indicating this variant is rare. This variant is predicted to alter splicing based on available splicing prediction software (SpliceAI, Jaganathan et al. 2019. PubMed ID: 30661751). However, the use of computer prediction software is not equivalent to functional evidence. At this time, the clinical significance of this variant is uncertain due to the absence of conclusive functional and genetic evidence.